The following is an entry in ClinVar:

ClinVar aggregate classification (germline): Uncertain significance (1 of 4 stars; one submission).

gnomAD v4.1: 4 of 1,610,164 alleles (0.00025%); highest among the groups gnomAD compares: South Asian, 0.0022%; no homozygotes.

Submission:

Women's Health and Genetics/Laboratory Corporation of America, LabCorp
Classification: Uncertain significance. Last evaluated: 2024-08-15. Review status: criteria provided, single submitter. Criteria: LabCorp Variant Classification Summary - May 2015. Collection method: clinical testing. Allele origin: germline.
Comment: Variant summary: POLG c.1898A>G (p.Lys633Arg) results in a conservative amino acid change in the encoded protein sequence. Five of five in-silico tools predict a benign effect of the variant on protein function. The variant allele was found at a frequency of 4e-06 in 247958 control chromosomes. The available data on variant occurrences in the general population are insufficient to allow any conclusion about variant significance. c.1898A>G has been reported in the literature in heterozygous state in an individual affected with complex neuro-endocrine syndrome, however authors believed the causative variant was in OTX2 gene (example: Catania_2019). These report(s) do not provide unequivocal conclusions about association of the variant with POLG-Related Spectrum Disorders. To our knowledge, no experimental evidence demonstrating an impact on protein function has been reported. The following publication has been ascertained in the context of this evaluation (PMID: 30773800). No submitters have cited clinical-significance assessments for this variant to ClinVar. Based on the evidence outlined above, the variant was classified as uncertain significance.

Literature cited by the submitters: PubMed 30773800.

NM_002693.3(POLG):c.1898A>G (p.Lys633Arg)

Gene: POLG (DNA polymerase gamma, catalytic subunit; minus strand). Cytogenetic location: 15q26.1.
Variant type: single nucleotide variant.
Coding change: c.1898A>G on transcript NM_002693.3 (MANE Select); coding-DNA position 1898, A replaced by G.
Protein change: p.Lys633Arg; replaces lysine 633 with arginine.
Molecular consequence: missense variant.
Genome position (GRCh38, 1-based): chr15:89,325,501, T>C on the plus strand (A>G on the coding strand, the complement: POLG is on the minus strand). VCF-style: chr15-89325501-T-C. GRCh37 (hg19) VCF-style: chr15-89868732-T-C.
Other names: c.1898A>G, p.Lys633Arg (NM_001126131.2); short protein forms K633R.
Identifiers: ClinVar variation 3366784 (VCV003366784.1).
Genomic context (GRCh38, chr15:89,325,501, plus strand): 5'-AAGCCTTACCTGTAGGGGCAGACCACCCCAGCTGACTCCAGGGTGGTACCTGTCGGCAGC[T>C]TGGCCAGGTTGTCCCGCCGCCCAGGCACCAAGTAGCCCCAGCCATGACGCTCTGAGTAGT-3'
Protein context (NP_002684.1, residues 623-643): LVPGRRDNLA[Lys633Arg]LPTGTTLESA